The following is an entry in ClinVar:

NM_018124.4(RFWD3):c.1607A>C (p.Tyr536Ser)

Gene: RFWD3 (ring finger and WD repeat domain 3; minus strand). Cytogenetic location: 16q23.1.
Variant type: single nucleotide variant.
Coding change: c.1607A>C on transcript NM_018124.4 (MANE Select); coding-DNA position 1607, A replaced by C.
Protein change: p.Tyr536Ser; replaces tyrosine 536 with serine.
Molecular consequence: missense variant. On other transcripts: intron variant (1).
Genome position (GRCh38, 1-based): chr16:74,630,928, T>G on the plus strand (A>C on the coding strand, the complement: RFWD3 is on the minus strand). VCF-style: chr16-74630928-T-G. GRCh37 (hg19) VCF-style: chr16-74664826-T-G.
Other names: c.1607A>C, p.Tyr536Ser (NM_001370534.1, NM_001370535.1); c.773A>C, p.Tyr258Ser (NM_001370537.1, NM_001370539.1, NM_001370540.1 and 3 more transcripts); c.1577+1595A>C (NM_001370536.1); short protein forms Y258S, Y536S.
Identifiers: ClinVar variation 1974520 (VCV001974520.5), dbSNP rs2543950399, ClinGen allele CA396760424.

ClinVar aggregate classification (germline): Uncertain significance (1 of 4 stars; one submission).

Submission:

Labcorp Genetics (formerly Invitae), Labcorp
Classification: Uncertain significance. Last evaluated: 2022-02-25. Review status: criteria provided, single submitter. Criteria: Invitae Variant Classification Sherloc (09022015). Collection method: clinical testing. Allele origin: germline.
Comment: This sequence change replaces tyrosine, which is neutral and polar, with serine, which is neutral and polar, at codon 536 of the RFWD3 protein (p.Tyr536Ser). This variant is not present in population databases (gnomAD no frequency). This variant has not been reported in the literature in individuals affected with RFWD3-related conditions. Algorithms developed to predict the effect of missense changes on protein structure and function (SIFT, PolyPhen-2, Align-GVGD) all suggest that this variant is likely to be disruptive. In summary, the available evidence is currently insufficient to determine the role of this variant in disease. Therefore, it has been classified as a Variant of Uncertain Significance.